The following is an entry in ClinVar:

ClinVar aggregate classification (germline): Uncertain significance (1 of 4 stars; one submission).

Conditions:
Hereditary cancer-predisposing syndrome. Also called: Hereditary Cancer Syndrome; Hereditary neoplastic syndrome; Neoplastic Syndromes, Hereditary; Tumor predisposition. Identifiers: Orphanet 140162, MedGen C0027672, MeSH D009386, MONDO:0015356.

Submission:

Ambry Genetics
Classification: Uncertain significance for Hereditary cancer-predisposing syndrome. Last evaluated: 2025-09-01. Review status: criteria provided, single submitter. Criteria: Ambry Variant Classification Scheme 2023. Collection method: clinical testing. Allele origin: germline.
Comment: The p.V680F variant (also known as c.2038G>T), located in coding exon 11 of the DICER1 gene, results from a G to T substitution at nucleotide position 2038. The valine at codon 680 is replaced by phenylalanine, an amino acid with highly similar properties. This amino acid position is conserved. In addition, this alteration is predicted to be tolerated by in silico analysis. Based on the available evidence, the clinical significance of this variant remains unclear.

NM_177438.3(DICER1):c.2038G>T (p.Val680Phe)

Gene: DICER1 (dicer 1, ribonuclease III; minus strand). Cytogenetic location: 14q32.13.
Variant type: single nucleotide variant.
Coding change: c.2038G>T on transcript NM_177438.3 (MANE Select); coding-DNA position 2038, G replaced by T.
Protein change: p.Val680Phe; replaces valine 680 with phenylalanine.
Molecular consequence: missense variant. On other transcripts: non-coding transcript variant (6).
Genome position (GRCh38, 1-based): chr14:95,113,094, C>A on the plus strand (G>T on the coding strand, the complement: DICER1 is on the minus strand). VCF-style: chr14-95113094-C-A. GRCh37 (hg19) VCF-style: chr14-95579431-C-A.
Other names: c.2038G>T, p.Val680Phe (NM_001195573.1, NM_001271282.3, NM_001291628.2 and 12 more transcripts); c.1756G>T, p.Val586Phe (NM_001395686.1); c.1633G>T, p.Val545Phe (NM_001395687.1, NM_001395688.1, NM_001395689.1 and 3 more transcripts); c.1471G>T, p.Val491Phe (NM_001395691.1); c.355G>T, p.Val119Phe (NM_001395697.1); short protein forms V119F, V545F, V680F, V491F, V586F.
Identifiers: ClinVar variation 4240536 (VCV004240536.1).